The following is an entry in ClinVar:

NM_005618.4(DLL1):c.597C>T (p.Phe199=)

Gene: DLL1 (delta like canonical Notch ligand 1; minus strand). Cytogenetic location: 6q27.
Variant type: single nucleotide variant.
Coding change: c.597C>T on transcript NM_005618.4 (MANE Select); coding-DNA position 597, C replaced by T.
Protein change: p.Phe199=; no amino-acid change (phenylalanine 199 retained).
Molecular consequence: synonymous variant.
Genome position (GRCh38, 1-based): chr6:170,288,312, G>A on the plus strand (C>T on the coding strand, the complement: DLL1 is on the minus strand). VCF-style: chr6-170288312-G-A. GRCh37 (hg19) VCF-style: chr6-170597400-G-A.
Identifiers: ClinVar variation 2147757 (VCV002147757.11), dbSNP rs147050650, ClinGen allele CA4107106.

ClinVar aggregate classification (germline): Benign/Likely benign. Review status: criteria provided, multiple submitters, no conflicts (2 of 4 stars). 2 submissions from 2 submitters: Benign (1); Likely benign (1). Last evaluated 2025-12-15.

Allele frequency attached by ClinVar (database versions not stated): TOPMed 0.00006; ESP Exome Variant Server 0.00008; gnomAD 0.00022; 1000 Genomes Project 30x 0.00031; 1000 Genomes Project 0.00040; gnomAD exomes 0.00040; ExAC 0.00088.
gnomAD v4.1: 612 of 1,614,072 alleles (0.038%); highest among the groups gnomAD compares: South Asian, 0.59%; 8 homozygotes.

Submissions (2):

Labcorp Genetics (formerly Invitae), Labcorp
Classification: Benign. Last evaluated: 2025-12-15. Review status: criteria provided, single submitter. Criteria: Invitae Variant Classification Sherloc (09022015). Collection method: clinical testing. Allele origin: germline.

CeGaT Center for Human Genetics Tuebingen
Classification: Likely benign. Last evaluated: 2025-04-01. Review status: criteria provided, single submitter. Criteria: CeGaT Center For Human Genetics Tuebingen Variant Classification Criteria Version 2. Collection method: clinical testing. Allele origin: germline. Affected: yes. Observed: 1 variant allele.
Comment: DLL1: BP4, BP7